The following is an entry in ClinVar:

NM_207421.4(PADI6):c.280G>A (p.Val94Met)

Gene: PADI6 (peptidyl arginine deiminase 6; plus strand). Cytogenetic location: 1p36.13.
Variant type: single nucleotide variant.
Coding change: c.280G>A on transcript NM_207421.4 (MANE Select); coding-DNA position 280, G replaced by A.
Protein change: p.Val94Met; replaces valine 94 with methionine.
Molecular consequence: missense variant.
Genome position (GRCh38, 1-based): chr1:17,373,219, G>A. VCF-style: chr1-17373219-G-A. GRCh37 (hg19) VCF-style: chr1-17699714-G-A.
Other names: c.280G>A (NM_207421.3); short protein forms V94M.
Identifiers: ClinVar variation 1701095 (VCV001701095.32), dbSNP rs200488264, ClinGen allele CA641255.

ClinVar aggregate classification (germline): Uncertain significance. Review status: criteria provided, multiple submitters, no conflicts (2 of 4 stars). 2 submissions from 2 submitters: Uncertain significance (2). Last evaluated 2024-10-29.

Conditions:
Inborn genetic diseases. Identifiers: MedGen C0950123, MeSH D030342.

Allele frequency attached by ClinVar (database versions not stated): 1000 Genomes Project 30x 0.00016.
gnomAD v4.1: 80 of 1,613,898 alleles (0.005%); highest among the groups gnomAD compares: Admixed American, 0.0083%; no homozygotes.

Submissions (2):

Ambry Genetics
Classification: Uncertain significance for Inborn genetic diseases. Last evaluated: 2024-10-29. Review status: criteria provided, single submitter. Criteria: Ambry Variant Classification Scheme 2023. Collection method: clinical testing. Allele origin: germline.

CeGaT Center for Human Genetics Tuebingen
Classification: Uncertain significance. Last evaluated: 2022-07-01. Review status: criteria provided, single submitter. Criteria: CeGaT Center For Human Genetics Tuebingen Variant Classification Criteria Version 2. Collection method: clinical testing. Allele origin: germline. Affected: yes. Observed: 1 variant allele.
Comment: PADI6: PM2, BP4